The following is an entry in ClinVar:

NM_005236.3(ERCC4):c.2506G>A (p.Glu836Lys)

Gene: ERCC4 (ERCC excision repair 4, endonuclease catalytic subunit; plus strand). Cytogenetic location: 16p13.12.
Variant type: single nucleotide variant.
Coding change: c.2506G>A on transcript NM_005236.3 (MANE Select); coding-DNA position 2506, G replaced by A.
Protein change: p.Glu836Lys; replaces glutamic acid 836 with lysine.
Molecular consequence: missense variant.
Genome position (GRCh38, 1-based): chr16:13,948,102, G>A. VCF-style: chr16-13948102-G-A. GRCh37 (hg19) VCF-style: chr16-14041959-G-A.
Other names: short protein forms E836K.
Identifiers: ClinVar variation 3760531 (VCV003760531.3).

ClinVar aggregate classification (germline): Uncertain significance. Review status: criteria provided, multiple submitters, no conflicts (2 of 4 stars). 2 submissions from 2 submitters: Uncertain significance (2). Last evaluated 2024-10-16.

Conditions:
Xeroderma pigmentosum, group F (XPF). Also called: XERODERMA PIGMENTOSUM, COMPLEMENTATION GROUP F; ERCC4-Related Xeroderma Pigmentosum; XERODERMA PIGMENTOSUM, TYPE F; Xeroderma pigmentosum, type 6; XERODERMA PIGMENTOSUM VI; XP, GROUP F. Identifiers: MedGen C0268140, MONDO:0010215, OMIM 278760.
Cockayne syndrome. Identifiers: Orphanet 191, MedGen C0009207, MONDO:0016006.
Fanconi anemia complementation group Q. Identifiers: Orphanet 84, MedGen C3808988, MONDO:0014108, OMIM 615272.

gnomAD v4.1: 27 of 1,614,024 alleles (0.0017%); highest among the groups gnomAD compares: Non-Finnish European, 0.0022%; no homozygotes.

Submissions (2):

Labcorp Genetics (formerly Invitae), Labcorp
Classification: Uncertain significance for Fanconi anemia complementation group Q; Xeroderma pigmentosum, group F; Cockayne syndrome. Last evaluated: 2024-10-16. Review status: criteria provided, single submitter. Criteria: Invitae Variant Classification Sherloc (09022015). Collection method: clinical testing. Allele origin: germline.
Comment: This sequence change replaces glutamic acid, which is acidic and polar, with lysine, which is basic and polar, at codon 836 of the ERCC4 protein (p.Glu836Lys). This variant is present in population databases (rs749688539, gnomAD 0.002%). This variant has not been reported in the literature in individuals affected with ERCC4-related conditions. Invitae Evidence Modeling of protein sequence and biophysical properties (such as structural, functional, and spatial information, amino acid conservation, physicochemical variation, residue mobility, and thermodynamic stability) indicates that this missense variant is not expected to disrupt ERCC4 protein function with a negative predictive value of 80%. In summary, the available evidence is currently insufficient to determine the role of this variant in disease. Therefore, it has been classified as a Variant of Uncertain Significance.

Blueprint Genetics
Classification: Uncertain significance. Last evaluated: 2022-01-27. Review status: criteria provided, single submitter. Criteria: ACMG Guidelines, 2015. Collection method: clinical testing. Allele origin: germline.